The following is an entry in ClinVar:

NM_000143.4(FH):c.1000A>C (p.Ser334Arg)

Gene: FH (fumarate hydratase; minus strand). Cytogenetic location: 1q43.
Variant type: single nucleotide variant.
Coding change: c.1000A>C on transcript NM_000143.4 (MANE Select); coding-DNA position 1000, A replaced by C.
Protein change: p.Ser334Arg; replaces serine 334 with arginine.
Molecular consequence: missense variant.
Genome position (GRCh38, 1-based): chr1:241,504,150, T>G on the plus strand (A>C on the coding strand, the complement: FH is on the minus strand). VCF-style: chr1-241504150-T-G. GRCh37 (hg19) VCF-style: chr1-241667450-T-G.
Other names: short protein forms S334R.
Identifiers: ClinVar variation 142077 (VCV000142077.14), dbSNP rs587782216, ClinGen allele CA167342.

ClinVar aggregate classification (germline): Likely pathogenic. Review status: criteria provided, multiple submitters, no conflicts (2 of 4 stars). 2 submissions from 2 submitters: Likely pathogenic (2). Last evaluated 2024-09-04.

Conditions:
Hereditary cancer-predisposing syndrome. Also called: Neoplastic Syndromes, Hereditary; Tumor predisposition; Hereditary Cancer Syndrome; Hereditary neoplastic syndrome. Identifiers: Orphanet 140162, MedGen C0027672, MeSH D009386, MONDO:0015356.

Allele frequency attached by ClinVar (database versions not stated): ExAC 0.00001.

Submissions (2):

Ambry Genetics
Classification: Likely pathogenic for Hereditary cancer-predisposing syndrome. Last evaluated: 2024-09-04. Review status: criteria provided, single submitter. Criteria: Ambry Variant Classification Scheme 2023. Collection method: clinical testing. Allele origin: germline.
Comment: The p.S334R variant (also known as c.1000A>C), located in coding exon 7 of the FH gene, results from an A to C substitution at nucleotide position 1000. The serine at codon 334 is replaced by arginine, an amino acid with dissimilar properties. A different nucleotide substitution (c.1002T>G) resulting in the same p.S334R missense alteration was reported in an individual with histologically confirmed cutaneous leiomyomata (Badeloe S et al. J. Dermatol. Sci. 2008; 51:139-43). This alteration was shown to segregate with disease within this family. In addition, the p.S334R (c.1000A>C) variant is located in the core helix and is predicted to result in the burial of a charged residue within the protein that cannot be accommodated in a non-charged environment (Yue W et al. J Inherit Metab Dis. 2011 Jun;34(3):575-81; Picaud S et al. J Inherit Metab Dis. 2011 Jun;34(3):671-6). Internal structural analysis indicates that this substitution is predicted to be more destabilizing than other nearby, known pathogenic variants (Ambry internal data). This amino acid position is highly conserved in available vertebrate species. In addition, this alteration is predicted to be deleterious by in silico analysis. Based on the majority of available evidence to date, this variant is likely to be pathogenic.

Labcorp Genetics (formerly Invitae), Labcorp
Classification: Likely pathogenic. Last evaluated: 2018-04-10. Review status: criteria provided, single submitter. Criteria: Invitae Variant Classification Sherloc (09022015). Collection method: clinical testing. Allele origin: germline.
Comment: In summary, the currently available evidence indicates that the variant is pathogenic, but additional data are needed to prove that conclusively. Therefore, this variant has been classified as Likely Pathogenic. Algorithms developed to predict the effect of missense changes on protein structure and function (SIFT, PolyPhen-2, Align-GVGD) all suggest that this variant is likely to be disruptive, but these predictions have not been confirmed by published functional studies and their clinical significance is uncertain. This variant has been observed to segregate with hereditary leiomyomatosis and renal cell cancer (HLRCC) in a family (Invitae). In addition, a different variant (c.1002T>G) giving rise to the same protein effect observed here (p.Ser334Arg) has been reported in families with HLRCC (PMID: 18514489, 22086304, 20618355), and was shown to segregate with disease in a family (PMID: 18514489, 22086304). ClinVar contains an entry for this variant (Variation ID: 142077). The frequency data for this variant in the population databases is considered unreliable, as metrics indicate poor data quality at this position in the ExAC database. This sequence change replaces serine with arginine at codon 334 of the FH protein (p.Ser334Arg). The serine residue is highly conserved and there is a moderate physicochemical difference between serine and arginine.

Literature cited by the submitters: PubMed 18514489 (cited by Ambry Genetics and Labcorp Genetics (formerly Invitae), Labcorp); PubMed 20618355 (cited by Ambry Genetics and Labcorp Genetics (formerly Invitae), Labcorp); PubMed 21340633 (cited by Ambry Genetics); PubMed 21445611 (cited by Ambry Genetics); PubMed 22086304 (cited by Ambry Genetics and Labcorp Genetics (formerly Invitae), Labcorp).